The following is an entry in ClinVar:

ClinVar aggregate classification (germline): Likely benign. Review status: criteria provided, multiple submitters, no conflicts (2 of 4 stars). 3 submissions from 3 submitters: Likely benign (3). Last evaluated 2025-11-02.

Conditions:
Peroxisome biogenesis disorder 12A (Zellweger). Also called: Peroxisome biogenesis disorder 12A. Identifiers: Orphanet 912, MedGen C3554002, MONDO:0013951, OMIM 614886.
PEX19-related disorder. Also called: PEX19-related condition.

Allele frequency attached by ClinVar (database versions not stated): gnomAD exomes below 0.00001; TOPMed 0.00001; ExAC 0.00002; gnomAD 0.00002.
gnomAD v4.1: 9 of 1,610,938 alleles (0.00056%); highest among the groups gnomAD compares: African/African-American, 0.0093%; no homozygotes.

Submissions (3):

Labcorp Genetics (formerly Invitae), Labcorp
Classification: Likely benign for Peroxisome biogenesis disorder 12A (Zellweger). Last evaluated: 2025-11-02. Review status: criteria provided, single submitter. Criteria: Invitae Variant Classification Sherloc (09022015). Collection method: clinical testing. Allele origin: germline.

PreventionGenetics, part of Exact Sciences
Classification: Likely benign for PEX19-related condition. Last evaluated: 2025-02-21. Review status: criteria provided, single submitter. Criteria: ACMG Guidelines, 2015. Collection method: clinical testing. Allele origin: germline.
Comment: This variant is classified as likely benign based on ACMG/AMP sequence variant interpretation guidelines (Richards et al. 2015 PMID: 25741868, with internal and published modifications).

Blueprint Genetics
Classification: Likely benign. Last evaluated: 2024-09-23. Review status: criteria provided, single submitter. Criteria: ACMG Guidelines, 2015. Collection method: clinical testing. Allele origin: germline.

NM_002857.4(PEX19):c.772-7T>C

Gene: PEX19 (peroxisomal biogenesis factor 19; minus strand). Cytogenetic location: 1q23.2.
Variant type: single nucleotide variant.
Coding change: c.772-7T>C on transcript NM_002857.4 (MANE Select); 7 bases into the intron before coding-DNA position 772, T replaced by C.
Molecular consequence: intron variant.
Genome position (GRCh38, 1-based): chr1:160,279,852, A>G on the plus strand (T>C on the coding strand, the complement: PEX19 is on the minus strand). VCF-style: chr1-160279852-A-G. GRCh37 (hg19) VCF-style: chr1-160249642-A-G.
Other names: c.772-7T>C (NM_001193644.1, NM_002857.3).
Identifiers: ClinVar variation 1656063 (VCV001656063.10), dbSNP rs777254776, ClinGen allele CA1197239.